The following is an entry in ClinVar:

ClinVar aggregate classification (germline): Likely benign (0 of 4 stars; one submission).

Conditions:
AP4S1-related disorder.

Allele frequency attached by ClinVar (database versions not stated): gnomAD 0.00001; TOPMed 0.00001; gnomAD exomes 0.00002.

Submission:

PreventionGenetics, part of Exact Sciences
Classification: Likely benign for AP4S1-related condition. Last evaluated: 2019-07-16. Review status: no assertion criteria provided. Collection method: clinical testing. Allele origin: germline.
Comment: This variant is classified as likely benign based on ACMG/AMP sequence variant interpretation guidelines (Richards et al. 2015 PMID: 25741868, with internal and published modifications).

NM_001128126.3(AP4S1):c.*3G>A

Gene: AP4S1 (adaptor related protein complex 4 subunit sigma 1; plus strand). Cytogenetic location: 14q12.
Variant type: single nucleotide variant.
Coding change: c.*3G>A on transcript NM_001128126.3 (MANE Select); 3 bases downstream of the stop codon, G replaced by A.
Molecular consequence: 3 prime UTR variant.
Genome position (GRCh38, 1-based): chr14:31,093,038, G>A. VCF-style: chr14-31093038-G-A. GRCh37 (hg19) VCF-style: chr14-31562244-G-A.
Other names: c.*3G>A (NM_001254728.2, NM_001254729.2).
Identifiers: ClinVar variation 3050372 (VCV003050372.2), dbSNP rs1003668011, ClinGen allele CA258592767.
Genomic context (GRCh38, chr14:31,093,038, plus strand): 5'-TAACAGGGCAAGAATTCTTGCCCCTCTACTAATTCTTGATAAGATGTCAGAAAGCTGAAA[G>A]GAAGTCTCTTCGAGACAATATGGATTTATCAGAAATGCGAGTACCGTGGAATACATCTCA-3'